The following is an entry in ClinVar:

ClinVar aggregate classification (germline): Benign/Likely benign. Review status: criteria provided, multiple submitters, no conflicts (2 of 4 stars). 5 submissions from 5 submitters: Benign (1); Likely benign (3). 1 of the submissions does not count toward it. Last evaluated 2026-07-01.

Conditions:
Floating-Harbor syndrome (FLHS). Also called: Short stature with delayed bone age, expressive language delay, a triangular face with a prominent nose and deep-set eyes; Pelletier-Leisti syndrome; SRCAP-Related Floating-Harbor Syndrome. Identifiers: Orphanet 2044, MedGen C0729582, MONDO:0007621, OMIM 136140.
Developmental delay, hypotonia, musculoskeletal defects, and behavioral abnormalities. Identifiers: MedGen C5562012, MONDO:0859202, OMIM 619595.
SRCAP-related disorder. Also called: SRCAP-related condition.

Allele frequency attached by ClinVar (database versions not stated): gnomAD exomes 0.00005 and 0.00025; gnomAD 0.00011; TOPMed 0.00011; ExAC 0.00017; 1000 Genomes Project 0.00020; 1000 Genomes Project 30x 0.00031.
gnomAD v4.1: 90 of 1,613,622 alleles (0.0056%); highest among the groups gnomAD compares: Admixed American, 0.15%; 1 homozygote.

Submissions (5):

CeGaT Center for Human Genetics Tuebingen
Classification: Likely benign. Last evaluated: 2026-07-01. Review status: criteria provided, single submitter. Criteria: CeGaT Center For Human Genetics Tuebingen Variant Classification Criteria Version 2. Collection method: clinical testing. Allele origin: germline. Affected: yes. Observed: 1 variant allele.
Comment: SRCAP: BP4, BP7

Labcorp Genetics (formerly Invitae), Labcorp
Classification: Benign. Last evaluated: 2026-01-04. Review status: criteria provided, single submitter. Criteria: Invitae Variant Classification Sherloc (09022015). Collection method: clinical testing. Allele origin: germline.

Women's Health and Genetics/Laboratory Corporation of America, LabCorp
Classification: Likely benign. Last evaluated: 2025-07-23. Review status: criteria provided, single submitter. Criteria: LabCorp Variant Classification Summary - May 2015. Collection method: clinical testing. Allele origin: germline.

Fulgent Genetics
Classification: Likely benign for Floating-Harbor syndrome; Developmental delay, hypotonia, musculoskeletal defects, and behavioral abnormalities. Last evaluated: 2021-08-13. Review status: criteria provided, single submitter. Criteria: ACMG Guidelines, 2015. Collection method: clinical testing. Allele origin: unknown.

PreventionGenetics, part of Exact Sciences
Classification: Likely benign for SRCAP-related condition. Last evaluated: 2019-06-25. Review status: no assertion criteria provided. Collection method: clinical testing. Allele origin: germline. Not counted in ClinVar's aggregate classification.
Comment: This variant is classified as likely benign based on ACMG/AMP sequence variant interpretation guidelines (Richards et al. 2015 PMID: 25741868, with internal and published modifications).

NM_006662.3(SRCAP):c.8760A>G (p.Gly2920=)

Gene: SRCAP (Snf2 related CREBBP activator protein; plus strand). Cytogenetic location: 16p11.2.
Variant type: single nucleotide variant.
Coding change: c.8760A>G on transcript NM_006662.3 (MANE Select); coding-DNA position 8760, A replaced by G.
Protein change: p.Gly2920=; no amino-acid change (glycine 2920 retained).
Molecular consequence: synonymous variant.
Genome position (GRCh38, 1-based): chr16:30,738,800, A>G. VCF-style: chr16-30738800-A-G. GRCh37 (hg19) VCF-style: chr16-30750121-A-G.
Identifiers: ClinVar variation 788683 (VCV000788683.15), dbSNP rs199928454, ClinGen allele CA8012753.
Genomic context (GRCh38, chr16:30,738,800, plus strand): 5'-CCTAATTGTTGCAGATCCTGTCCTGGAACCACAGCTTATTCCTGGGCCCCAGCCTCTTGG[A>G]CCCCAGCCAGTTCACAGACCCAATCCCCTCCTGTCACCTGTGGAGAAAAGAAGGCGAGGA-3'
Protein context (NP_006653.2, residues 2910-2930): PQLIPGPQPL[Gly2920=]PQPVHRPNPL